The following is an entry in ClinVar:

NM_004006.3(DMD):c.4930A>C (p.Lys1644Gln)

Gene: DMD (dystrophin; minus strand). Cytogenetic location: Xp21.1.
Variant type: single nucleotide variant.
Coding change: c.4930A>C on transcript NM_004006.3 (MANE Select); coding-DNA position 4930, A replaced by C.
Protein change: p.Lys1644Gln; replaces lysine 1644 with glutamine.
Molecular consequence: missense variant.
Genome position (GRCh38, 1-based): chrX:32,365,115, T>G on the plus strand (A>C on the coding strand, the complement: DMD is on the minus strand). VCF-style: chrX-32365115-T-G. GRCh37 (hg19) VCF-style: chrX-32383232-T-G.
Other names: c.4906A>C, p.Lys1636Gln (NM_000109.4); c.4918A>C, p.Lys1640Gln (NM_004009.3); c.4561A>C, p.Lys1521Gln (NM_004010.3); c.907A>C, p.Lys303Gln (NM_004011.4); c.898A>C, p.Lys300Gln (NM_004012.4); short protein forms K1521Q, K300Q, K1644Q, K303Q, K1636Q, K1640Q.
Identifiers: ClinVar variation 2812116 (VCV002812116.3), dbSNP rs2522569904, ClinGen allele CA412672136.

ClinVar aggregate classification (germline): Uncertain significance (1 of 4 stars; one submission).

Conditions:
Duchenne muscular dystrophy (DMD). Also called: MUSCULAR DYSTROPHY, PSEUDOHYPERTROPHIC PROGRESSIVE, DUCHENNE TYPE; Duchenne Muscular Dystrophy (DMD). Identifiers: Orphanet 98896, MedGen C0013264, MONDO:0010679, OMIM 310200.

gnomAD v4.1: 1 of 1,210,934 alleles (0.000083%); no homozygotes.

Submission:

Labcorp Genetics (formerly Invitae), Labcorp
Classification: Uncertain significance for Duchenne muscular dystrophy. Last evaluated: 2022-11-10. Review status: criteria provided, single submitter. Criteria: Invitae Variant Classification Sherloc (09022015). Collection method: clinical testing. Allele origin: germline.
Comment: In summary, the available evidence is currently insufficient to determine the role of this variant in disease. Therefore, it has been classified as a Variant of Uncertain Significance. This sequence change replaces lysine, which is basic and polar, with glutamine, which is neutral and polar, at codon 1644 of the DMD protein (p.Lys1644Gln). This variant is not present in population databases (gnomAD no frequency). This variant has not been reported in the literature in individuals affected with DMD-related conditions. Advanced modeling of protein sequence and biophysical properties (such as structural, functional, and spatial information, amino acid conservation, physicochemical variation, residue mobility, and thermodynamic stability) performed at Invitae indicates that this missense variant is not expected to disrupt DMD protein function.